The following is an entry in ClinVar:

NM_003587.5(DHX16):c.1240A>G (p.Asn414Asp)

Gene: DHX16 (DEAH-box helicase 16; minus strand). Cytogenetic location: 6p21.33.
Variant type: single nucleotide variant.
Coding change: c.1240A>G on transcript NM_003587.5 (MANE Select); coding-DNA position 1240, A replaced by G.
Protein change: p.Asn414Asp; replaces asparagine 414 with aspartic acid.
Molecular consequence: missense variant. On other transcripts: 5 prime UTR variant (1).
Genome position (GRCh38, 1-based): chr6:30,664,878, T>C on the plus strand (A>G on the coding strand, the complement: DHX16 is on the minus strand). VCF-style: chr6-30664878-T-C. GRCh37 (hg19) VCF-style: chr6-30632655-T-C.
Other names: NC_000006.11:g.30632655T>C; c.1060A>G, p.Asn354Asp (NM_001164239.2); c.-880A>G (NM_001363515.2); short protein forms N354D, N414D.
Identifiers: ClinVar variation 3037143 (VCV003037143.3), dbSNP rs35836922, ClinGen allele CA3701278.

ClinVar aggregate classification (germline): Benign (0 of 4 stars; one submission).

Conditions:
DHX16-related disorder. Also called: DHX16-related condition.

Allele frequency attached by ClinVar (database versions not stated): TOPMed 0.00443; ExAC 0.00447; gnomAD 0.00460; 1000 Genomes Project 0.00479; ESP Exome Variant Server 0.00486; 1000 Genomes Project 30x 0.00531.

Submissions (5):

PreventionGenetics, part of Exact Sciences
Classification: Benign for DHX16-related condition. Last evaluated: 2019-11-06. Review status: no assertion criteria provided. Collection method: clinical testing. Allele origin: germline.
Comment: This variant is classified as benign based on ACMG/AMP sequence variant interpretation guidelines (Richards et al. 2015 PMID: 25741868, with internal and published modifications).

Dr. Peter K. Rogan Lab, Western University
No classification provided (evidence only). Condition: Melanoma. Review status: no classification provided. Collection method: in vitro. Allele origin: not applicable. Functional consequence: retained intron. Not counted in ClinVar's aggregate classification.

Dr. Peter K. Rogan Lab, Western University
No classification provided (evidence only). Condition: Cervical cancer. Review status: no classification provided. Collection method: in vitro. Allele origin: not applicable. Functional consequence: retained intron. Not counted in ClinVar's aggregate classification.

Dr. Peter K. Rogan Lab, Western University
No classification provided (evidence only). Condition: Ovarian serous cystadenocarcinoma. Review status: no classification provided. Collection method: in vitro. Allele origin: not applicable. Functional consequence: retained intron. Not counted in ClinVar's aggregate classification.

Dr. Peter K. Rogan Lab, Western University
No classification provided (evidence only). Condition: Uterine carcinosarcoma. Review status: no classification provided. Collection method: in vitro. Allele origin: not applicable. Functional consequence: retained intron. Not counted in ClinVar's aggregate classification.